The following is an entry in ClinVar:

NM_001040108.2(MLH3):c.2314G>A (p.Val772Ile)

Gene: MLH3 (mutL homolog 3; minus strand). Cytogenetic location: 14q24.3.
Variant type: single nucleotide variant.
Coding change: c.2314G>A on transcript NM_001040108.2 (MANE Select); coding-DNA position 2314, G replaced by A.
Protein change: p.Val772Ile; replaces valine 772 with isoleucine.
Molecular consequence: missense variant.
Genome position (GRCh38, 1-based): chr14:75,047,342, C>T on the plus strand (G>A on the coding strand, the complement: MLH3 is on the minus strand). VCF-style: chr14-75047342-C-T. GRCh37 (hg19) VCF-style: chr14-75514045-C-T.
Other names: c.2314G>A, p.Val772Ile (NM_014381.3); short protein forms V772I.
Identifiers: ClinVar variation 4055434 (VCV004055434.1).

ClinVar aggregate classification (germline): Uncertain significance (1 of 4 stars; one submission).

Submission:

Ambry Genetics
Classification: Uncertain significance. Last evaluated: 2025-06-01. Review status: criteria provided, single submitter. Criteria: Ambry Variant Classification Scheme 2023. Collection method: clinical testing. Allele origin: germline.
Comment: The p.V772I variant (also known as c.2314G>A), located in coding exon 1 of the MLH3 gene, results from a G to A substitution at nucleotide position 2314. The valine at codon 772 is replaced by isoleucine, an amino acid with highly similar properties. This amino acid position is conserved. In addition, this alteration is predicted to be tolerated by in silico analysis. Based on the available evidence, the clinical significance of this variant remains unclear.